The following is an entry in ClinVar:

ClinVar aggregate classification (germline): Conflicting classifications of pathogenicity. Review status: criteria provided, conflicting classifications (1 of 4 stars). 2 submissions from 2 submitters: Uncertain significance (1); Likely benign (1). Last evaluated 2026-01-12.

Conditions:
Inborn genetic diseases. Identifiers: MedGen C0950123, MeSH D030342.
Hajdu-Cheney syndrome (HJCYS). Also called: ACROOSTEOLYSIS WITH OSTEOPOROSIS AND CHANGES IN SKULL AND MANDIBLE; SERPENTINE FIBULA-POLYCYSTIC KIDNEY SYNDROME; Acroosteolysis dominant type. Identifiers: Orphanet 955, MedGen C0917715, MONDO:0007057, OMIM 102500.

Allele frequency attached by ClinVar (database versions not stated): gnomAD 0.00002; TOPMed 0.00003.
gnomAD v4.1: 48 of 1,614,026 alleles (0.003%); highest among the groups gnomAD compares: Non-Finnish European, 0.0037%; no homozygotes.

Submissions (2):

Labcorp Genetics (formerly Invitae), Labcorp
Classification: Uncertain significance for Hajdu-Cheney syndrome. Last evaluated: 2026-01-12. Review status: criteria provided, single submitter. Criteria: Invitae Variant Classification Sherloc (09022015). Collection method: clinical testing. Allele origin: germline.
Comment: This sequence change replaces proline, which is neutral and non-polar, with leucine, which is neutral and non-polar, at codon 2106 of the NOTCH2 protein (p.Pro2106Leu). This variant is present in population databases (no rsID available, gnomAD 0.005%). This variant has not been reported in the literature in individuals affected with NOTCH2-related conditions. ClinVar contains an entry for this variant (Variation ID: 2797675). Invitae Evidence Modeling of protein sequence and biophysical properties (such as structural, functional, and spatial information, amino acid conservation, physicochemical variation, residue mobility, and thermodynamic stability) indicates that this missense variant is not expected to disrupt NOTCH2 protein function with a negative predictive value of 80%. In summary, the available evidence is currently insufficient to determine the role of this variant in disease. Therefore, it has been classified as a Variant of Uncertain Significance.

Ambry Genetics
Classification: Likely benign for Inborn genetic diseases. Last evaluated: 2025-04-20. Review status: criteria provided, single submitter. Criteria: Ambry Variant Classification Scheme 2023. Collection method: clinical testing. Allele origin: germline.

NM_024408.4(NOTCH2):c.6317C>T (p.Pro2106Leu)

Gene: NOTCH2 (notch receptor 2; minus strand). Cytogenetic location: 1p12.
Variant type: single nucleotide variant.
Coding change: c.6317C>T on transcript NM_024408.4 (MANE Select); coding-DNA position 6317, C replaced by T.
Protein change: p.Pro2106Leu; replaces proline 2106 with leucine.
Molecular consequence: missense variant.
Genome position (GRCh38, 1-based): chr1:119,916,405, G>A on the plus strand (C>T on the coding strand, the complement: NOTCH2 is on the minus strand). VCF-style: chr1-119916405-G-A. GRCh37 (hg19) VCF-style: chr1-120459028-G-A.
Other names: c.6317C>T (NM_024408.3); short protein forms P2106L.
Identifiers: ClinVar variation 2797675 (VCV002797675.4), dbSNP rs756388778, ClinGen allele CA30313791.
Genomic context (GRCh38, chr1:119,916,405, plus strand): 5'-GCATCCTTTGCCTCCTTGGCAAGGTTAGGGAGGCTAGTAGGCATGGTACTCTTGGCACTG[G>A]GCCGTCTAGACTTCTTGCCCATTGGGGTGTGCTTCAGGCTGAGGAAAGATCTGTTGGGCC-3'
Protein context (NP_077719.2, residues 2096-2116): HTPMGKKSRR[Pro2106Leu]SAKSTMPTSL